The following is an entry in ClinVar:

ClinVar aggregate classification (germline): Uncertain significance (1 of 4 stars; one submission).

Allele frequency attached by ClinVar (database versions not stated): ESP Exome Variant Server 0.00017.
gnomAD v4.1: 45 of 1,613,962 alleles (0.0028%); highest among the groups gnomAD compares: East Asian, 0.0045%; no homozygotes.

Submission:

Labcorp Genetics (formerly Invitae), Labcorp
Classification: Uncertain significance. Last evaluated: 2025-06-23. Review status: criteria provided, single submitter. Criteria: Invitae Variant Classification Sherloc (09022015). Collection method: clinical testing. Allele origin: germline.
Comment: This sequence change affects a donor splice site in intron 1 of the A2ML1 gene. It is expected to disrupt RNA splicing. Variants that disrupt the donor or acceptor splice site typically lead to a loss of protein function (PMID: 16199547), however the current clinical and genetic evidence is not sufficient to establish whether loss-of-function variants in A2ML1 cause disease. This variant is present in population databases (rs200764174, gnomAD 0.02%). This variant has not been reported in the literature in individuals affected with A2ML1-related conditions. ClinVar contains an entry for this variant (Variation ID: 2055109). In summary, the available evidence is currently insufficient to determine the role of this variant in disease. Therefore, it has been classified as a Variant of Uncertain Significance.

Literature cited by the submitters: PubMed 16199547.

NM_144670.6(A2ML1):c.62+1G>A

Genes: A2ML1 (alpha-2-macroglobulin like 1; plus strand), A2ML1-AS1 (A2ML1 antisense RNA 1; minus strand). Cytogenetic location: 12p13.31.
Variant type: single nucleotide variant.
Coding change: c.62+1G>A on transcript NM_144670.6 (MANE Select); the canonical splice donor site of the intron after coding-DNA position 62, G replaced by A.
Molecular consequence: splice donor variant.
Genome position (GRCh38, 1-based): chr12:8,822,714, G>A. VCF-style: chr12-8822714-G-A. GRCh37 (hg19) VCF-style: chr12-8975310-G-A.
Identifiers: ClinVar variation 2055109 (VCV002055109.4), dbSNP rs200764174, ClinGen allele CA6435137.
Genomic context (GRCh38, chr12:8,822,714, plus strand): 5'-GTGGGCTCAGCTCCTTCTAGGAATGTTGGCCCTATCACCAGCCATTGCAGAAGAACTTCC[G>A]TGAGTGCTTGGTGTCAGAATTGGTTTATTAGGGCAGCGGCTTCTTCGCCTAACTTTCTCA-3'